The following is an entry in ClinVar:

NM_001366145.2(TRPM3):c.4969G>A (p.Ala1657Thr)

Genes: KLF9-DT (KLF9 divergent transcript; plus strand), TRPM3 (transient receptor potential cation channel subfamily M member 3; minus strand). Cytogenetic location: 9q21.12.
Variant type: single nucleotide variant.
Coding change: c.4969G>A on transcript NM_001366145.2 (MANE Select); coding-DNA position 4969, G replaced by A.
Protein change: p.Ala1657Thr; replaces alanine 1657 with threonine.
Molecular consequence: missense variant. On other transcripts: intron variant (8).
Genome position (GRCh38, 1-based): chr9:70,536,144, C>T on the plus strand (G>A on the coding strand, the complement: TRPM3 is on the minus strand). VCF-style: chr9-70536144-C-T. GRCh37 (hg19) VCF-style: chr9-73151060-C-T.
Other names: c.4933G>A, p.Ala1645Thr (NM_001007471.4); c.4939G>A, p.Ala1647Thr (NM_001366141.2, NM_001366149.2); c.5044G>A, p.Ala1682Thr (NM_001366147.2); c.4474G>A, p.Ala1492Thr (NM_020952.6); c.4510G>A, p.Ala1504Thr (NM_024971.7); c.4444G>A, p.Ala1482Thr (NM_206944.5); c.4480G>A, p.Ala1494Thr (NM_206945.5); c.4549G>A, p.Ala1517Thr (NM_206946.5); and 9 more; short protein forms A1482T, A1492T, A1494T, A1504T, A1507T, A1517T, A1645T, A1647T.
Identifiers: ClinVar variation 3902887 (VCV003902887.1).
Genomic context (GRCh38, chr9:70,536,144, plus strand): 5'-TCCGCTGCCTGTCGAGTTTGTCACTGATGGAGAAGCTCTTCCTGGTGTGTGCATATGGCG[C>T]ACTTGGCTCCTCTGCCGAGTAGCTGTTGGCGCGCTCTATCTTGGGAACAGTGATGTTGTT-3'
Protein context (NP_001353074.1, residues 1647-1667): ANSYSAEEPS[Ala1657Thr]PYAHTRKSFS

ClinVar aggregate classification (germline): Uncertain significance (1 of 4 stars; one submission).

Submission:

GeneDx
Classification: Uncertain significance. Last evaluated: 2024-12-12. Review status: criteria provided, single submitter. Criteria: GeneDx Variant Classification Process June 2021. Collection method: clinical testing. Allele origin: germline. Affected: yes.
Comment: Not observed at significant frequency in large population cohorts (gnomAD); In silico analysis indicates that this missense variant does not alter protein structure/function; Has not been previously published as pathogenic or benign to our knowledge